The following is an entry in ClinVar:

NM_001267550.2(TTN):c.66917T>C (p.Ile22306Thr)

Genes: TTN (titin; minus strand), TTN-AS1 (TTN antisense RNA 1; plus strand). Cytogenetic location: 2q31.2.
Variant type: single nucleotide variant.
Coding change: c.66917T>C on transcript NM_001267550.2 (MANE Select); coding-DNA position 66917, T replaced by C.
Protein change: p.Ile22306Thr; replaces isoleucine 22306 with threonine.
Molecular consequence: missense variant.
Genome position (GRCh38, 1-based): chr2:178,580,462, A>G on the plus strand (T>C on the coding strand, the complement: TTN is on the minus strand). VCF-style: chr2-178580462-A-G. GRCh37 (hg19) VCF-style: chr2-179445189-A-G.
Other names: c.61994T>C, p.Ile20665Thr (NM_001256850.1); c.39722T>C, p.Ile13241Thr (NM_003319.4); c.59213T>C, p.Ile19738Thr (NM_133378.4); c.40097T>C, p.Ile13366Thr (NM_133432.3); c.40298T>C, p.Ile13433Thr (NM_133437.4); short protein forms I22306T, I19738T, I13241T, I13433T, I20665T, I13366T.
Identifiers: ClinVar variation 47244 (VCV000047244.29), dbSNP rs397517667, ClinGen allele CA140437.

ClinVar aggregate classification (germline): Conflicting classifications of pathogenicity. Review status: criteria provided, conflicting classifications (1 of 4 stars). 7 submissions from 7 submitters: Uncertain significance (2); Benign (2); Likely benign (3). Last evaluated 2025-12-21.

Conditions:
TTN-related disorder. Also called: TTN-related condition; TTN-related disease; TTN-related disorders.
Autosomal recessive limb-girdle muscular dystrophy type 2J (LGMDR10). Also called: Limb-girdle muscular dystrophy, type 2J; MUSCULAR DYSTROPHY, LIMB-GIRDLE, AUTOSOMAL RECESSIVE 10. Identifiers: Orphanet 140922, MedGen C1837342, MONDO:0012127, OMIM 608807.
Dilated cardiomyopathy 1G (CMD1G). Identifiers: Orphanet 154, MedGen C1858763, MONDO:0011400, OMIM 604145.
Cardiovascular phenotype. Identifiers: MedGen CN230736.
Cardiomyopathy (CMYO). Also called: Cardiomyopathies. Identifiers: Orphanet 167848, MedGen C0878544, MONDO:0004994, HP:0001638. Inheritance: Various modes of inheritance.

Allele frequency attached by ClinVar (database versions not stated): gnomAD 0.00011 and 0.00012; TOPMed 0.00011; ExAC 0.00022; gnomAD exomes 0.00024.
gnomAD v4.1: 184 of 1,612,970 alleles (0.011%); highest among the groups gnomAD compares: Non-Finnish European, 0.0028%; no homozygotes.

Submissions (7):

Labcorp Genetics (formerly Invitae), Labcorp
Classification: Benign for Dilated cardiomyopathy 1G; Autosomal recessive limb-girdle muscular dystrophy type 2J. Last evaluated: 2025-12-21. Review status: criteria provided, single submitter. Criteria: Invitae Variant Classification Sherloc (09022015). Collection method: clinical testing. Allele origin: germline.

PreventionGenetics, part of Exact Sciences
Classification: Likely benign for TTN-related condition. Last evaluated: 2025-04-16. Review status: criteria provided, single submitter. Criteria: ACMG Guidelines, 2015. Collection method: clinical testing. Allele origin: germline.
Comment: This variant is classified as likely benign based on ACMG/AMP sequence variant interpretation guidelines (Richards et al. 2015 PMID: 25741868, with internal and published modifications).

GeneDx
Classification: Likely benign. Last evaluated: 2021-03-09. Review status: criteria provided, single submitter. Criteria: GeneDx Variant Classification Process June 2021. Collection method: clinical testing. Allele origin: germline. Affected: yes.

Ambry Genetics
Classification: Likely benign for Cardiovascular phenotype. Last evaluated: 2018-11-23. Review status: criteria provided, single submitter. Criteria: Ambry Variant Classification Scheme 2023. Collection method: clinical testing. Allele origin: germline.

CHEO Genetics Diagnostic Laboratory, Children's Hospital of Eastern Ontario
Classification: Benign for Cardiomyopathy. Last evaluated: 2018-05-02. Review status: criteria provided, single submitter. Criteria: ACMG Guidelines, 2015. Collection method: clinical testing. Allele origin: germline.

Eurofins Ntd Llc (ga)
Classification: Uncertain significance. Last evaluated: 2017-01-30. Review status: criteria provided, single submitter. Criteria: EGL Classification Definitions 2015. Collection method: clinical testing. Allele origin: germline. Observed: 1 variant allele, 1 heterozygote.

Laboratory for Molecular Medicine, Mass General Brigham Personalized Medicine
Classification: Uncertain significance. Last evaluated: 2015-03-11. Review status: criteria provided, single submitter. Criteria: LMM Criteria. Collection method: clinical testing. Allele origin: germline. Observed: 3 variant alleles.
Comment: This variant has also been identified in 0.04% (26/66514) of European chromosomes by the Exome Aggregation Consortium (ExAC; dbSNP rs397517667). Isoleucine (Ile) at position 19738 is not conserved in evolution and 1 mammal (killer whale) carries a threon ine (Thr) at this position, raising the possibility that this change may be tole rated. In summary, the clinical significance of the p.Ile19738Thr variant is unc ertain.